The following is an entry in ClinVar:

NM_005120.3(MED12):c.2422+6T>G

Gene: MED12 (mediator complex subunit 12; plus strand). Cytogenetic location: Xq13.1.
Variant type: single nucleotide variant.
Coding change: c.2422+6T>G on transcript NM_005120.3 (MANE Select); 6 bases into the intron after coding-DNA position 2422, T replaced by G.
Molecular consequence: intron variant.
Genome position (GRCh38, 1-based): chrX:71,125,719, T>G. VCF-style: chrX-71125719-T-G. GRCh37 (hg19) VCF-style: chrX-70345569-T-G.
Identifiers: ClinVar variation 572431 (VCV000572431.9), dbSNP rs1569481413, ClinGen allele CA891843890.

ClinVar aggregate classification (germline): Uncertain significance (1 of 4 stars; one submission).

Conditions:
FG syndrome (FGS). Identifiers: MedGen C0220769, MONDO:0002010.

Submission:

Labcorp Genetics (formerly Invitae), Labcorp
Classification: Uncertain significance for FG syndrome. Last evaluated: 2018-03-09. Review status: criteria provided, single submitter. Criteria: Invitae Variant Classification Sherloc (09022015). Collection method: clinical testing. Allele origin: germline.
Comment: This variant has not been reported in the literature in individuals with MED12-related disease. This variant is not present in population databases (ExAC no frequency). This sequence change falls in intron 17 of the MED12 gene. It does not directly change the encoded amino acid sequence of the MED12 protein, but it affects a nucleotide within the consensus splice site of the intron. In summary, the available evidence is currently insufficient to determine the role of this variant in disease. Therefore, it has been classified as a Variant of Uncertain Significance. Nucleotide substitutions within the consensus splice site are a relatively common cause of aberrant splicing (PMID: 17576681, 9536098). Algorithms developed to predict the effect of sequence changes on RNA splicing suggest that this variant is not likely to affect RNA splicing, but this prediction has not been confirmed by published transcriptional studies.

Literature cited by the submitters: PubMed 17576681; PubMed 9536098.